The following is an entry in ClinVar:

ClinVar aggregate classification (germline): Uncertain significance (1 of 4 stars; one submission).

Conditions:
GM3 synthase deficiency (SPDRS). Also called: SALT AND PEPPER MENTAL RETARDATION SYNDROME; AMISH INFANTILE EPILEPSY SYNDROME; SALT AND PEPPER DEVELOPMENTAL REGRESSION SYNDROME. Identifiers: Orphanet 171714, Orphanet 370933, MedGen C1836824, MONDO:0018274, OMIM 609056.

gnomAD v4.1: 1 of 1,614,126 alleles (0.000062%); highest among the groups gnomAD compares: African/African-American, 0.0013%; no homozygotes.

Submission:

Labcorp Genetics (formerly Invitae), Labcorp
Classification: Uncertain significance for GM3 synthase deficiency. Last evaluated: 2018-07-12. Review status: criteria provided, single submitter. Criteria: Invitae Variant Classification Sherloc (09022015). Collection method: clinical testing. Allele origin: germline.
Comment: This sequence change replaces aspartic acid with histidine at codon 376 of the ST3GAL5 protein (p.Asp376His). The aspartic acid residue is highly conserved and there is a moderate physicochemical difference between aspartic acid and histidine. This variant is not present in population databases (ExAC no frequency). This variant has not been reported in the literature in individuals with ST3GAL5-related disease. Algorithms developed to predict the effect of missense changes on protein structure and function (SIFT, PolyPhen-2, Align-GVGD) all suggest that this variant is likely to be disruptive, but these predictions have not been confirmed by published functional studies and their clinical significance is uncertain. Algorithms developed to predict the effect of sequence changes on RNA splicing suggest that this variant may create or strengthen a splice site, but this prediction has not been confirmed by published transcriptional studies. In summary, the available evidence is currently insufficient to determine the role of this variant in disease. Therefore, it has been classified as a Variant of Uncertain Significance.

NM_003896.4(ST3GAL5):c.1126G>C (p.Asp376His)

Gene: ST3GAL5 (ST3 beta-galactoside alpha-2,3-sialyltransferase 5; minus strand). Cytogenetic location: 2p11.2.
Variant type: single nucleotide variant.
Coding change: c.1126G>C on transcript NM_003896.4 (MANE Select); coding-DNA position 1126, G replaced by C.
Protein change: p.Asp376His; replaces aspartic acid 376 with histidine.
Molecular consequence: missense variant.
Genome position (GRCh38, 1-based): chr2:85,840,275, C>G on the plus strand (G>C on the coding strand, the complement: ST3GAL5 is on the minus strand). VCF-style: chr2-85840275-C-G. GRCh37 (hg19) VCF-style: chr2-86067398-C-G.
Other names: c.1057G>C, p.Asp353His (NM_001042437.2); c.742G>C, p.Asp248His (NM_001354223.2, NM_001354224.2, NM_001354226.2 and 3 more transcripts); c.1042G>C, p.Asp348His (NM_001354227.2, NM_001354229.2, NM_001354238.1); c.403G>C, p.Asp135His (NM_001354247.1); c.967G>C, p.Asp323His (NM_001363847.1); short protein forms D353H, D135H, D323H, D348H, D376H, D248H.
Identifiers: ClinVar variation 665670 (VCV000665670.9), dbSNP rs147305893, ClinGen allele CA347502946.
Genomic context (GRCh38, chr2:85,840,275, plus strand): 5'-TGGTTTCCGTTGTCACATTATGCATGGTCTGAAAGTTCATAGCAGCCATGCATTGACTGT[C>G]GAAGTAGTGCAAAGGTGTTCTGGGTTGATTGAGGTCATATCCAAAACCCGCCAAACTGAC-3'
Protein context (NP_003887.3, residues 366-386): NQPRTPLHYF[Asp376His]SQCMAAMNFQ